The following is an entry in ClinVar:

NC_000003.11:g.(?_129150344)_(129159234_?)dup

Genes: IFT122 (intraflagellar transport 122; plus strand), MBD4 (methyl-CpG binding domain 4, DNA glycosylase; minus strand). Cytogenetic location: 3q21.3.
Variant type: Duplication.
Identifiers: ClinVar variation 2427158 (VCV002427158.3).

ClinVar aggregate classification (germline): Uncertain significance (1 of 4 stars; one submission).

Conditions:
Cranioectodermal dysplasia 1 (CED1). Also called: LEVIN SYNDROME I. Identifiers: Orphanet 1515, MedGen C0432235, MONDO:0021093, OMIM 218330.

Submission:

Labcorp Genetics (formerly Invitae), Labcorp
Classification: Uncertain significance for Cranioectodermal dysplasia 1. Last evaluated: 2022-03-26. Review status: criteria provided, single submitter. Criteria: Invitae Variant Classification Sherloc (09022015). Collection method: clinical testing. Allele origin: germline.
Comment: This variant results in a copy number gain of the genomic region encompassing exon(s) 1 of the IFT122 gene. This region includes the initiator codon of the gene. This copy number gain extends beyond the assayed region for this gene and therefore may encompass additional genes. As the precise location of this event is unknown, it may be in tandem or it may be located elsewhere in the genome. This variant has not been reported in the literature in individuals affected with IFT122-related conditions. In summary, the available evidence is currently insufficient to determine the role of this variant in disease. Therefore, it has been classified as a Variant of Uncertain Significance.